The following is an entry in ClinVar:

ClinVar aggregate classification (germline): Likely benign. Review status: criteria provided, single submitter (1 of 4 stars). 3 submissions from 3 submitters: Likely benign (1). 2 of the submissions do not count toward it. Last evaluated 2026-01-26.

Conditions:
WNT10A-related disorder. Also called: WNT10A-related condition; WNT10A-related disorders.
Schöpf-Schulz-Passarge syndrome. Also called: ECCRINE TUMORS WITH ECTODERMAL DYSPLASIA; KERATOSIS PALMOPLANTARIS WITH CYSTIC EYELIDS, HYPODONTIA, AND HYPOTRICHOSIS; SchC6pf-Schulz-Passarge syndrome. Identifiers: Orphanet 50944, MedGen C1857069, MONDO:0009145, OMIM 224750.
Odonto-onycho-dermal dysplasia. Identifiers: Orphanet 2721, MedGen C0796093, MONDO:0009773, OMIM 257980.
Tooth agenesis, selective, 4 (STHAG4). Also called: LATERAL INCISORS, ABSENCE OF; LATERAL INCISORS, PEGGED OR MISSING; SUCCEDANEOUS TEETH, AGENESIS OF; TOOTH AGENESIS, SELECTIVE, 4, WITH OR WITHOUT ECTODERMAL DYSPLASIA. Identifiers: Orphanet 99798, MedGen C1835492, MONDO:0007881, OMIM 150400. Disease mechanism: loss of function.

Allele frequency attached by ClinVar (database versions not stated): gnomAD 0.00001; TOPMed 0.00002; ExAC 0.00006.
gnomAD v4.1: 21 of 1,528,228 alleles (0.0014%); highest among the groups gnomAD compares: Non-Finnish European, 0.000088%; no homozygotes.

Submissions (3):

Labcorp Genetics (formerly Invitae), Labcorp
Classification: Likely benign for Tooth agenesis, selective, 4; Odonto-onycho-dermal dysplasia. Last evaluated: 2026-01-26. Review status: criteria provided, single submitter. Criteria: Invitae Variant Classification Sherloc (09022015). Collection method: clinical testing. Allele origin: germline.

PreventionGenetics, part of Exact Sciences
Classification: Likely benign for WNT10A-related condition. Last evaluated: 2021-09-20. Review status: no assertion criteria provided. Collection method: clinical testing. Allele origin: germline. Not counted in ClinVar's aggregate classification.
Comment: This variant is classified as likely benign based on ACMG/AMP sequence variant interpretation guidelines (Richards et al. 2015 PMID: 25741868, with internal and published modifications).

Natera, Inc.
Classification: Likely benign for Schopf-Schulz-Passarge syndrome. Last evaluated: 2021-03-23. Review status: no assertion criteria provided. Collection method: clinical testing. Allele origin: germline. Not counted in ClinVar's aggregate classification.

NM_025216.3(WNT10A):c.891C>G (p.Ala297=)

Gene: WNT10A (Wnt family member 10A; plus strand). Cytogenetic location: 2q35.
Variant type: single nucleotide variant.
Coding change: c.891C>G on transcript NM_025216.3 (MANE Select); coding-DNA position 891, C replaced by G.
Protein change: p.Ala297=; no amino-acid change (alanine 297 retained).
Molecular consequence: synonymous variant.
Genome position (GRCh38, 1-based): chr2:218,892,908, C>G. VCF-style: chr2-218892908-C-G. GRCh37 (hg19) VCF-style: chr2-219757630-C-G.
Identifiers: ClinVar variation 794711 (VCV000794711.14), dbSNP rs748083299, ClinGen allele CA2114063.